The following is an entry in ClinVar:

NM_000484.4(APP):c.419G>C (p.Arg140Thr)

Gene: APP (amyloid beta precursor protein; minus strand). Cytogenetic location: 21q21.3.
Variant type: single nucleotide variant.
Coding change: c.419G>C on transcript NM_000484.4 (MANE Select); coding-DNA position 419, G replaced by C.
Protein change: p.Arg140Thr; replaces arginine 140 with threonine.
Molecular consequence: missense variant.
Genome position (GRCh38, 1-based): chr21:26,053,285, C>G on the plus strand (G>C on the coding strand, the complement: APP is on the minus strand). VCF-style: chr21-26053285-C-G. GRCh37 (hg19) VCF-style: chr21-27425601-C-G.
Other names: c.404G>C, p.Arg135Thr (NM_001136016.3); c.251G>C, p.Arg84Thr (NM_001136129.3, NM_001136130.3); c.314G>C, p.Arg105Thr (NM_001136131.3); c.419G>C, p.Arg140Thr (NM_001204301.2, NM_001204302.2, NM_001204303.2 and 3 more transcripts); short protein forms R135T, R105T, R140T, R84T.
Identifiers: ClinVar variation 2911288 (VCV002911288.3), dbSNP rs772020679, ClinGen allele CA9987655.
Genomic context (GRCh38, chr21:26,053,285, plus strand): 5'-TGGGCTGGTACCTCTTTGGCGACGGTGTGCCAGTGAAGATGAGTTTCGCAAACATCCATC[C>G]TCTCCTGGTGTAAGAATTTGCACTTGTCAGGAACGAGAAGGGCATCACTTACAAACTCAC-3'
Protein context (NP_000475.1, residues 130-150): PDKCKFLHQE[Arg140Thr]MDVCETHLHW

ClinVar aggregate classification (germline): Uncertain significance (1 of 4 stars; one submission).

Conditions:
Alzheimer disease. Also called: Presenile and senile dementia; Alzheimer's disease. Identifiers: Orphanet 1020, MedGen C0002395, MeSH D000544, MONDO:0004975, HP:0002511.

Allele frequency attached by ClinVar (database versions not stated): ExAC 0.00001; gnomAD 0.00001; gnomAD exomes 0.00001.
gnomAD v4.1: 10 of 1,613,846 alleles (0.00062%); highest among the groups gnomAD compares: Non-Finnish European, 0.00085%; no homozygotes.

Submission:

Labcorp Genetics (formerly Invitae), Labcorp
Classification: Uncertain significance for Alzheimer disease. Last evaluated: 2022-11-14. Review status: criteria provided, single submitter. Criteria: Invitae Variant Classification Sherloc (09022015). Collection method: clinical testing. Allele origin: germline.
Comment: In summary, the available evidence is currently insufficient to determine the role of this variant in disease. Therefore, it has been classified as a Variant of Uncertain Significance. This sequence change replaces arginine, which is basic and polar, with threonine, which is neutral and polar, at codon 140 of the APP protein (p.Arg140Thr). This variant is present in population databases (rs772020679, gnomAD 0.002%). This variant has not been reported in the literature in individuals affected with APP-related conditions. Advanced modeling of protein sequence and biophysical properties (such as structural, functional, and spatial information, amino acid conservation, physicochemical variation, residue mobility, and thermodynamic stability) performed at Invitae indicates that this missense variant is not expected to disrupt APP protein function.